The following is an entry in ClinVar:

NM_178452.6(DNAAF1):c.2065+1G>A

Gene: DNAAF1 (dynein axonemal assembly factor 1; plus strand). Cytogenetic location: 16q24.1.
Variant type: single nucleotide variant.
Coding change: c.2065+1G>A on transcript NM_178452.6 (MANE Select); the canonical splice donor site of the intron after coding-DNA position 2065, G replaced by A.
Molecular consequence: splice donor variant.
Genome position (GRCh38, 1-based): chr16:84,176,300, G>A. VCF-style: chr16-84176300-G-A. GRCh37 (hg19) VCF-style: chr16-84209906-G-A.
Other names: c.1357+1G>A (NM_001318756.1).
Identifiers: ClinVar variation 4845755 (VCV004845755.1).

ClinVar aggregate classification (germline): Likely pathogenic (1 of 4 stars; one submission).

Conditions:
Primary ciliary dyskinesia 13. Also called: CILIARY DYSKINESIA, PRIMARY, 13, WITH OR WITHOUT SITUS INVERSUS. Identifiers: Orphanet 244, MedGen C2750790, MONDO:0013174, OMIM 613193.

gnomAD v4.1: 1 of 1,613,200 alleles (0.000062%); highest among the groups gnomAD compares: Non-Finnish European, 0.000085%; no homozygotes.

Submission:

First Genomix Gene Laboratory, Genetic Diagnostics Department
Classification: Likely pathogenic for Primary ciliary dyskinesia 13. Last evaluated: 2025-01-09. Review status: criteria provided, single submitter. Criteria: ACMG Guidelines, 2015. Collection method: clinical testing. Allele origin: germline. Inheritance: Autosomal recessive inheritance. Affected: no. Observed: 1 variant allele.